The following is an entry in ClinVar:

NM_004655.4(AXIN2):c.1973G>A (p.Ser658Asn)

Gene: AXIN2 (axin 2; minus strand). Cytogenetic location: 17q24.1.
Variant type: single nucleotide variant.
Coding change: c.1973G>A on transcript NM_004655.4 (MANE Select); coding-DNA position 1973, G replaced by A.
Protein change: p.Ser658Asn; replaces serine 658 with asparagine.
Molecular consequence: missense variant.
Genome position (GRCh38, 1-based): chr17:65,536,488, C>T on the plus strand (G>A on the coding strand, the complement: AXIN2 is on the minus strand). VCF-style: chr17-65536488-C-T. GRCh37 (hg19) VCF-style: chr17-63532606-C-T.
Other names: c.1973G>A (LRG_296t1); c.1778G>A, p.Ser593Asn (NM_001363813.1); short protein forms S593N, S658N.
Identifiers: ClinVar variation 657928 (VCV000657928.11), dbSNP rs1598097046, ClinGen allele CA400676230.

ClinVar aggregate classification (germline): Uncertain significance. Review status: criteria provided, multiple submitters, no conflicts (2 of 4 stars). 2 submissions from 2 submitters: Uncertain significance (2). Last evaluated 2025-10-27.

Conditions:
Oligodontia-cancer predisposition syndrome. Also called: TOOTH AGENESIS-COLORECTAL CANCER SYNDROME. Identifiers: Orphanet 300576, MedGen C1837750, MONDO:0012075, OMIM 608615. Disease mechanism: loss of function.
Hereditary cancer-predisposing syndrome. Also called: Hereditary neoplastic syndrome; Neoplastic Syndromes, Hereditary; Hereditary Cancer Syndrome; Tumor predisposition. Identifiers: Orphanet 140162, MedGen C0027672, MeSH D009386, MONDO:0015356.

Submissions (2):

Ambry Genetics
Classification: Uncertain significance for Hereditary cancer-predisposing syndrome. Last evaluated: 2025-10-27. Review status: criteria provided, single submitter. Criteria: Ambry Variant Classification Scheme 2023. Collection method: clinical testing. Allele origin: germline.
Comment: The p.S658N variant (also known as c.1973G>A), located in coding exon 7 of the AXIN2 gene, results from a G to A substitution at nucleotide position 1973. The serine at codon 658 is replaced by asparagine, an amino acid with highly similar properties. This amino acid position is conserved. In addition, this alteration is predicted to be tolerated by in silico analysis. Based on the available evidence, the clinical significance of this variant remains unclear.

Labcorp Genetics (formerly Invitae), Labcorp
Classification: Uncertain significance for Oligodontia-cancer predisposition syndrome. Last evaluated: 2024-07-05. Review status: criteria provided, single submitter. Criteria: Invitae Variant Classification Sherloc (09022015). Collection method: clinical testing. Allele origin: germline.
Comment: This sequence change replaces serine, which is neutral and polar, with asparagine, which is neutral and polar, at codon 658 of the AXIN2 protein (p.Ser658Asn). This variant is not present in population databases (gnomAD no frequency). This variant has not been reported in the literature in individuals affected with AXIN2-related conditions. ClinVar contains an entry for this variant (Variation ID: 657928). Advanced modeling of protein sequence and biophysical properties (such as structural, functional, and spatial information, amino acid conservation, physicochemical variation, residue mobility, and thermodynamic stability) performed at Invitae indicates that this missense variant is not expected to disrupt AXIN2 protein function with a negative predictive value of 80%. In summary, the available evidence is currently insufficient to determine the role of this variant in disease. Therefore, it has been classified as a Variant of Uncertain Significance.